The following is an entry in ClinVar:

NM_004380.3(CREBBP):c.4943C>G (p.Pro1648Arg)

Gene: CREBBP (CREB binding protein; minus strand). Cytogenetic location: 16p13.3.
Variant type: single nucleotide variant.
Coding change: c.4943C>G on transcript NM_004380.3 (MANE Select); coding-DNA position 4943, C replaced by G.
Protein change: p.Pro1648Arg; replaces proline 1648 with arginine.
Molecular consequence: missense variant.
Genome position (GRCh38, 1-based): chr16:3,731,421, G>C on the plus strand (C>G on the coding strand, the complement: CREBBP is on the minus strand). VCF-style: chr16-3731421-G-C. GRCh37 (hg19) VCF-style: chr16-3781422-G-C.
Other names: c.4829C>G, p.Pro1610Arg (NM_001079846.1); short protein forms P1610R, P1648R.
Identifiers: ClinVar variation 1331183 (VCV001331183.2), dbSNP rs1181588652, ClinGen allele CA394558959.

ClinVar aggregate classification (germline): Uncertain significance (1 of 4 stars; one submission).

Submission:

GeneDx
Classification: Uncertain significance. Last evaluated: 2021-12-14. Review status: criteria provided, single submitter. Criteria: GeneDx Variant Classification Process June 2021. Collection method: clinical testing. Allele origin: germline. Affected: yes.
Comment: Not observed at significant frequency in large population cohorts (Lek et al., 2016); In silico analysis supports that this missense variant has a deleterious effect on protein structure/function; Has not been previously published as pathogenic or benign to our knowledge; This variant is associated with the following publications: (PMID: 12070251)